The following is an entry in ClinVar:

NM_000196.4(HSD11B2):c.835C>T (p.Arg279Cys)

Gene: HSD11B2 (hydroxysteroid 11-beta dehydrogenase 2; plus strand). Cytogenetic location: 16q22.1.
Variant type: single nucleotide variant.
Coding change: c.835C>T on transcript NM_000196.4 (MANE Select); coding-DNA position 835, C replaced by T.
Protein change: p.Arg279Cys; replaces arginine 279 with cysteine.
Molecular consequence: missense variant.
Genome position (GRCh38, 1-based): chr16:67,436,620, C>T. VCF-style: chr16-67436620-C-T. GRCh37 (hg19) VCF-style: chr16-67470523-C-T.
Other names: short protein forms R279C.
Identifiers: ClinVar variation 12098 (VCV000012098.2), dbSNP rs28934594, ClinGen allele CA121885.
Genomic context (GRCh38, chr16:67,436,620, plus strand): 5'-CACTCTGACCTTGCCACTCCTTCCCCAGAGTCAGTGAGAAACGTGGGTCAGTGGGAAAAG[C>T]GCAAGCAATTGCTGCTGGCCAACCTGCCTCAAGAGCTGCTGCAGGCCTACGGCAAGGACT-3'
Protein context (NP_000187.3, residues 269-289): SVRNVGQWEK[Arg279Cys]KQLLLANLPQ

ClinVar aggregate classification (germline): Likely pathogenic. Review status: criteria provided, single submitter (1 of 4 stars). 2 submissions from 2 submitters: Likely pathogenic (1). 1 of the submissions does not count toward it. Last evaluated 2026-08-01.

Conditions:
Apparent mineralocorticoid excess (AME). Also called: CORTISOL 11-BETA-KETOREDUCTASE DEFICIENCY. Identifiers: Orphanet 320, MedGen C0342488, MONDO:0009025, OMIM 218030.

Allele frequency attached by ClinVar (database versions not stated): gnomAD exomes 0.00001; TOPMed 0.00001.

Submissions (2):

CeGaT Center for Human Genetics Tuebingen
Classification: Likely pathogenic. Last evaluated: 2026-08-01. Review status: criteria provided, single submitter. Criteria: CeGaT Center For Human Genetics Tuebingen Variant Classification Criteria Version 2. Collection method: clinical testing. Allele origin: germline. Affected: yes. Observed: 1 variant allele.
Comment: HSD11B2: PP1:Strong, PM2, PM3:Supporting, PS3:Supporting

OMIM
Classification: Pathogenic for APPARENT MINERALOCORTICOID EXCESS. Last evaluated: 1998-08-01. Review status: no assertion criteria provided. Collection method: literature only. Allele origin: germline. Not counted in ClinVar's aggregate classification.

Literature cited by the submitters: PubMed 9683587 (cited by OMIM).